The following is an entry in ClinVar:

ClinVar aggregate classification (germline): Uncertain significance (1 of 4 stars; one submission).

gnomAD v4.1: 1 of 1,567,722 alleles (0.000064%); highest among the groups gnomAD compares: Non-Finnish European, 0.000087%; no homozygotes.

Submission:

GeneDx
Classification: Uncertain significance. Last evaluated: 2026-04-10. Review status: criteria provided, single submitter. Criteria: GeneDx Variant Classification Process June 2021. Collection method: clinical testing. Allele origin: germline.
Comment: Not observed at significant frequency in large population cohorts (gnomAD); In silico analysis supports that this missense variant has a deleterious effect on protein structure/function; Has not been previously published as pathogenic or benign to our knowledge

NM_007144.3(PCGF2):c.872G>C (p.Gly291Ala)

Genes: CISD3 (CDGSH iron sulfur domain 3; plus strand), PCGF2 (polycomb group ring finger 2; minus strand). Cytogenetic location: 17q12.
Variant type: single nucleotide variant.
Coding change: c.872G>C on transcript NM_007144.3 (MANE Select); coding-DNA position 872, G replaced by C.
Protein change: p.Gly291Ala; replaces glycine 291 with alanine.
Molecular consequence: missense variant. On other transcripts: 3 prime UTR variant (1).
Genome position (GRCh38, 1-based): chr17:38,735,386, C>G on the plus strand (G>C on the coding strand, the complement: PCGF2 is on the minus strand). VCF-style: chr17-38735386-C-G. GRCh37 (hg19) VCF-style: chr17-36891639-C-G.
Other names: c.*1931C>G (NM_001136498.2); c.872G>C, p.Gly291Ala (NM_001369614.1, NM_001369615.1); short protein forms G291A.
Identifiers: ClinVar variation 5037053 (VCV005037053.1).